The following is an entry in ClinVar:

ClinVar aggregate classification (germline): Uncertain significance (1 of 4 stars; one submission).

Submission:

Labcorp Genetics (formerly Invitae), Labcorp
Classification: Uncertain significance. Last evaluated: 2021-08-02. Review status: criteria provided, single submitter. Criteria: Invitae Variant Classification Sherloc (09022015). Collection method: clinical testing. Allele origin: germline.
Comment: This variant has not been reported in the literature in individuals with MSH3-related conditions. This variant is not present in population databases (ExAC no frequency). This sequence change replaces methionine with valine at codon 115 of the MSH3 protein (p.Met115Val). The methionine residue is weakly conserved and there is a small physicochemical difference between methionine and valine. Algorithms developed to predict the effect of missense changes on protein structure and function output the following: SIFT: "Tolerated"; PolyPhen-2: "Benign"; Align-GVGD: "Class C0". The valine amino acid residue is found in multiple mammalian species, suggesting that this missense change does not adversely affect protein function. These predictions have not been confirmed by published functional studies and their clinical significance is uncertain. In summary, the available evidence is currently insufficient to determine the role of this variant in disease. Therefore, it has been classified as a Variant of Uncertain Significance.

NM_002439.5(MSH3):c.343A>G (p.Met115Val)

Gene: MSH3 (mutS homolog 3; plus strand). Cytogenetic location: 5q14.1.
Variant type: single nucleotide variant.
Coding change: c.343A>G on transcript NM_002439.5 (MANE Select); coding-DNA position 343, A replaced by G.
Protein change: p.Met115Val; replaces methionine 115 with valine.
Molecular consequence: missense variant.
Genome position (GRCh38, 1-based): chr5:80,656,516, A>G. VCF-style: chr5-80656516-A-G. GRCh37 (hg19) VCF-style: chr5-79952335-A-G.
Other names: short protein forms M115V.
Identifiers: ClinVar variation 1383535 (VCV001383535.8), dbSNP rs2112801848, ClinGen allele CA360266548.